The following is an entry in ClinVar:

ClinVar aggregate classification (germline): Benign/Likely benign. Review status: criteria provided, multiple submitters, no conflicts (2 of 4 stars). 11 submissions from 10 submitters: Benign (8); Likely benign (3). Last evaluated 2026-01-11.

Conditions:
Maturity-onset diabetes of the young (MODY). Also called: Maturity onset diabetes mellitus in young. Identifiers: Orphanet 552, MedGen C0342276, MONDO:0018911, HP:0004904.
Familial hyperinsulinism. Also called: Congenital hyperinsulinism. Identifiers: Orphanet 276525, MedGen C3888018, MONDO:0017182. Disease mechanism: loss of function.
Maturity-onset diabetes of the young type 1. Also called: MILD JUVENILE DIABETES MELLITUS; MODY, type I; MODY type 1; Diabetes mellitus MODY type 1; MODY HNF4A related; HNF4A-Related Maturity-Onset Diabetes of the Young Type 1. Identifiers: Orphanet 552, MedGen C1852093, MONDO:0007452, OMIM 125850. Disease mechanism: loss of function.

Allele frequency attached by ClinVar (database versions not stated): TOPMed 0.00369; gnomAD exomes 0.00035 and 0.00097; ExAC 0.00127; gnomAD 0.00340 and 0.00365; 1000 Genomes Project 0.00399; 1000 Genomes Project 30x 0.00437; ESP Exome Variant Server 0.00469.
gnomAD v4.1: 1,058 of 1,614,098 alleles (0.066%); highest among the groups gnomAD compares: African/African-American, 1.2%; 11 homozygotes.

Submissions (11):

Labcorp Genetics (formerly Invitae), Labcorp
Classification: Benign. Last evaluated: 2026-01-11. Review status: criteria provided, single submitter. Criteria: Invitae Variant Classification Sherloc (09022015). Collection method: clinical testing. Allele origin: germline.

ARUP Laboratories, Molecular Genetics and Genomics, ARUP Laboratories
Classification: Benign. Last evaluated: 2025-05-26. Review status: criteria provided, single submitter. Criteria: ARUP Molecular Germline Variant Investigation Process 2024. Collection method: clinical testing. Allele origin: germline.

Blueprint Genetics
Classification: Likely benign. Last evaluated: 2024-10-09. Review status: criteria provided, single submitter. Criteria: ACMG Guidelines, 2015. Collection method: clinical testing. Allele origin: germline.

Athena Diagnostics
Classification: Benign. Last evaluated: 2024-01-24. Review status: criteria provided, single submitter. Criteria: Athena Diagnostics Criteria. Collection method: clinical testing. Allele origin: unknown.

GeneDx
Classification: Benign. Last evaluated: 2020-01-15. Review status: criteria provided, single submitter. Criteria: GeneDx Variant Classification Process June 2021. Collection method: clinical testing. Allele origin: germline. Affected: yes.

Genetic Services Laboratory, University of Chicago
Classification: Benign. Last evaluated: 2018-08-10. Review status: criteria provided, single submitter. Criteria: ACMG Guidelines, 2015. Collection method: clinical testing. Allele origin: germline. Affected: no.

Illumina Laboratory Services, Illumina
Classification: Likely benign for Familial hyperinsulinism. Last evaluated: 2018-01-13. Review status: criteria provided, single submitter. Criteria: ICSL Variant Classification Criteria 13 December 2019. Collection method: clinical testing. Allele origin: germline.
Comment: This variant was observed in the ICSL laboratory as part of a predisposition screen in an ostensibly healthy population. It had not been previously curated by ICSL or reported in the Human Gene Mutation Database (HGMD: prior to June 1st, 2018), and was therefore a candidate for classification through an automated scoring system. Utilizing variant allele frequency, disease prevalence and penetrance estimates, and inheritance mode, an automated score was calculated to assess if this variant is too frequent to cause the disease. Based on the score and internal cut-off values, a variant classified as likely benign is not then subjected to further curation. The score for this variant resulted in a classification of likely benign for this disease.

Illumina Laboratory Services, Illumina
Classification: Benign for Maturity-onset diabetes of the young type 1. Last evaluated: 2018-01-13. Review status: criteria provided, single submitter. Criteria: ICSL Variant Classification Criteria 13 December 2019. Collection method: clinical testing. Allele origin: germline.
Comment: This variant was observed in the ICSL laboratory as part of a predisposition screen in an ostensibly healthy population. It had not been previously curated by ICSL or reported in the Human Gene Mutation Database (HGMD: prior to June 1st, 2018), and was therefore a candidate for classification through an automated scoring system. Utilizing variant allele frequency, disease prevalence and penetrance estimates, and inheritance mode, an automated score was calculated to assess if this variant is too frequent to cause the disease. Based on the score and internal cut-off values, a variant classified as benign is not then subjected to further curation. The score for this variant resulted in a classification of benign for this disease.

Ambry Genetics
Classification: Benign for Maturity-onset diabetes of the young. Last evaluated: 2015-02-13. Review status: criteria provided, single submitter. Criteria: Ambry Variant Classification Scheme 2023. Collection method: clinical testing. Allele origin: germline.

Women's Health and Genetics/Laboratory Corporation of America, LabCorp
Classification: Likely benign for MODY1. Last evaluated: 2011-08-18. Review status: criteria provided, single submitter. Criteria: LabCorp Variant Classification Summary - May 2015. Collection method: curation, clinical testing. Allele origin: germline. Inheritance: autosomal unknown. Affected: yes.
ClinVar note: Converted during submission from likely benign to Likely benign.

Clinical Genomics, Uppaluri K&H Personalized Medicine Clinic
Classification: Benign for Maturity-onset diabetes of the young. Review status: criteria provided, single submitter. Criteria: K & H Uppaluri Personalized Medicine Clinic Variant Classification & Assertion Criteria_Updated V.1. Collection method: research. Allele origin: unknown. Inheritance: Autosomal dominant inheritance.
Comment: Potent mutations in HNF4A are associated with poor insulin secretion in response to hyperglycemia. Associated with MODY1. Patients initially respond well to sulfonylureas but eventually become insulin dependent. However, more evidence is required to ascertain the role of this particular variant rs150078978 in MODY, yet.

Literature cited by the submitters: DOI 10.1159/000334532 (cited by Clinical Genomics, Uppaluri K&H Personalized Medicine Clinic); PubMed 18268044 (cited by Clinical Genomics, Uppaluri K&H Personalized Medicine Clinic); PubMed 17563455 (cited by Clinical Genomics, Uppaluri K&H Personalized Medicine Clinic); PubMed 32583173 (cited by Clinical Genomics, Uppaluri K&H Personalized Medicine Clinic); PubMed 35052457 (cited by Clinical Genomics, Uppaluri K&H Personalized Medicine Clinic); PubMed 35118593 (cited by Clinical Genomics, Uppaluri K&H Personalized Medicine Clinic).

NM_175914.5(HNF4A):c.696C>T (p.His232=)

Gene: HNF4A (hepatocyte nuclear factor 4 alpha; plus strand). Cytogenetic location: 20q13.12.
Variant type: single nucleotide variant.
Coding change: c.696C>T on transcript NM_175914.5 (MANE Select); coding-DNA position 696, C replaced by T.
Protein change: p.His232=; no amino-acid change (histidine 232 retained).
Molecular consequence: synonymous variant.
Genome position (GRCh38, 1-based): chr20:44,419,746, C>T. VCF-style: chr20-44419746-C-T. GRCh37 (hg19) VCF-style: chr20-43048386-C-T.
Other names: c.696C>T (NM_175914.3); c.762C>T, p.His254= (NM_000457.6, NM_178849.3, NM_178850.3); c.696C>T, p.His232= (NM_001030003.3, NM_001030004.3); c.741C>T, p.His247= (NM_001258355.2); c.687C>T, p.His229= (NM_001287182.2, NM_001287183.2, NM_001287184.2).
Identifiers: ClinVar variation 36358 (VCV000036358.27), dbSNP rs150078978, ClinGen allele CA213967.